The following is an entry in ClinVar:

NM_015557.3(CHD5):c.3491G>A (p.Arg1164His)

Gene: CHD5 (chromodomain helicase DNA binding protein 5; minus strand). Cytogenetic location: 1p36.31.
Variant type: single nucleotide variant.
Coding change: c.3491G>A on transcript NM_015557.3 (MANE Select); coding-DNA position 3491, G replaced by A.
Protein change: p.Arg1164His; replaces arginine 1164 with histidine.
Molecular consequence: missense variant.
Genome position (GRCh38, 1-based): chr1:6,128,966, C>T on the plus strand (G>A on the coding strand, the complement: CHD5 is on the minus strand). VCF-style: chr1-6128966-C-T. GRCh37 (hg19) VCF-style: chr1-6189026-C-T.
Other names: short protein forms R1164H.
Identifiers: ClinVar variation 2761744 (VCV002761744.3), dbSNP rs1363216674, ClinGen allele CA338076147.

ClinVar aggregate classification (germline): Uncertain significance (1 of 4 stars; one submission).

Allele frequency attached by ClinVar (database versions not stated): gnomAD 0.00001; TOPMed 0.00001.
gnomAD v4.1: 15 of 1,612,808 alleles (0.00093%); highest among the groups gnomAD compares: Admixed American, 0.005%; no homozygotes.

Submission:

Labcorp Genetics (formerly Invitae), Labcorp
Classification: Uncertain significance. Last evaluated: 2024-12-05. Review status: criteria provided, single submitter. Criteria: Invitae Variant Classification Sherloc (09022015). Collection method: clinical testing. Allele origin: germline.
Comment: This sequence change replaces arginine, which is basic and polar, with histidine, which is basic and polar, at codon 1164 of the CHD5 protein (p.Arg1164His). This variant is present in population databases (no rsID available, gnomAD 0.003%). This variant has not been reported in the literature in individuals affected with CHD5-related conditions. ClinVar contains an entry for this variant (Variation ID: 2761744). Invitae Evidence Modeling of protein sequence and biophysical properties (such as structural, functional, and spatial information, amino acid conservation, physicochemical variation, residue mobility, and thermodynamic stability) has been performed for this missense variant. However, the output from this modeling did not meet the statistical confidence thresholds required to predict the impact of this variant on CHD5 protein function. In summary, the available evidence is currently insufficient to determine the role of this variant in disease. Therefore, it has been classified as a Variant of Uncertain Significance.